The following is an entry in ClinVar:

NM_015450.3(POT1):c.834G>T (p.Leu278Phe)

Gene: POT1 (protection of telomeres 1; minus strand). Cytogenetic location: 7q31.33.
Variant type: single nucleotide variant.
Coding change: c.834G>T on transcript NM_015450.3 (MANE Select); coding-DNA position 834, G replaced by T.
Protein change: p.Leu278Phe; replaces leucine 278 with phenylalanine.
Molecular consequence: missense variant. On other transcripts: non-coding transcript variant (3).
Genome position (GRCh38, 1-based): chr7:124,853,007, C>A on the plus strand (G>T on the coding strand, the complement: POT1 is on the minus strand). VCF-style: chr7-124853007-C-A. GRCh37 (hg19) VCF-style: chr7-124493061-C-A.
Other names: c.441G>T, p.Leu147Phe (NM_001042594.2); short protein forms L147F, L278F.
Identifiers: ClinVar variation 1026829 (VCV001026829.11), dbSNP rs754958636, ClinGen allele CA369055289.

ClinVar aggregate classification (germline): Uncertain significance. Review status: criteria provided, multiple submitters, no conflicts (2 of 4 stars). 2 submissions from 2 submitters: Uncertain significance (2). Last evaluated 2020-12-09.

Conditions:
Tumor predisposition syndrome 3 (TPDS3). Also called: Glioma susceptibility 9; LONG TELOMERE SYNDROME, POT1-RELATED; POT1 Tumor Predisposition; Melanoma, cutaneous malignant, susceptibility to, 10. Identifiers: Orphanet 618, MedGen C4014476, MONDO:0014368, OMIM 615848.
Hereditary cancer-predisposing syndrome. Also called: Neoplastic Syndromes, Hereditary; Hereditary Cancer Syndrome; Hereditary neoplastic syndrome; Tumor predisposition. Identifiers: Orphanet 140162, MedGen C0027672, MeSH D009386, MONDO:0015356.

Submissions (2):

Ambry Genetics
Classification: Uncertain significance for Hereditary cancer-predisposing syndrome. Last evaluated: 2020-12-09. Review status: criteria provided, single submitter. Criteria: Ambry Variant Classification Scheme 2023. Collection method: clinical testing. Allele origin: germline.
Comment: The p.L278F variant (also known as c.834G>T), located in coding exon 6 of the POT1 gene, results from a G to T substitution at nucleotide position 834. The leucine at codon 278 is replaced by phenylalanine, an amino acid with highly similar properties. This amino acid position is highly conserved in available vertebrate species. In addition, the in silico prediction for this alteration is inconclusive. Since supporting evidence is limited at this time, the clinical significance of this alteration remains unclear.

Labcorp Genetics (formerly Invitae), Labcorp
Classification: Uncertain significance for Tumor predisposition syndrome 3. Last evaluated: 2020-11-11. Review status: criteria provided, single submitter. Criteria: Invitae Variant Classification Sherloc (09022015). Collection method: clinical testing. Allele origin: germline.
Comment: This sequence change replaces leucine with phenylalanine at codon 278 of the POT1 protein (p.Leu278Phe). The leucine residue is highly conserved and there is a small physicochemical difference between leucine and phenylalanine. This variant is not present in population databases (ExAC no frequency). This variant has not been reported in the literature in individuals with POT1-related conditions. Algorithms developed to predict the effect of missense changes on protein structure and function are either unavailable or do not agree on the potential impact of this missense change (SIFT: "Deleterious"; PolyPhen-2: "Probably Damaging"; Align-GVGD: "Class C15"). In summary, the available evidence is currently insufficient to determine the role of this variant in disease. Therefore, it has been classified as a Variant of Uncertain Significance.